The following is an entry in ClinVar:

NM_021619.3(PRDM12):c.182C>T (p.Thr61Ile)

Gene: PRDM12 (PR/SET domain 12; plus strand). Cytogenetic location: 9q34.12.
Variant type: single nucleotide variant.
Coding change: c.182C>T on transcript NM_021619.3 (MANE Select); coding-DNA position 182, C replaced by T.
Protein change: p.Thr61Ile; replaces threonine 61 with isoleucine.
Molecular consequence: missense variant.
Genome position (GRCh38, 1-based): chr9:130,664,835, C>T. VCF-style: chr9-130664835-C-T. GRCh37 (hg19) VCF-style: chr9-133540222-C-T.
Other names: short protein forms T61I.
Identifiers: ClinVar variation 1380455 (VCV001380455.8), dbSNP rs748893320, ClinGen allele CA5284472.

ClinVar aggregate classification (germline): Uncertain significance (1 of 4 stars; one submission).

Conditions:
Congenital insensitivity to pain-hypohidrosis syndrome. Also called: HSAN VIII; Neuropathy, hereditary sensory and autonomic, type VIII. Identifiers: Orphanet 478664, MedGen C4225308, MONDO:0014662, OMIM 616488.

Allele frequency attached by ClinVar (database versions not stated): gnomAD exomes 0.00001 and 0.00003; ExAC 0.00006.
gnomAD v4.1: 8 of 1,552,950 alleles (0.00052%); highest among the groups gnomAD compares: South Asian, 0.0094%; no homozygotes.

Submission:

Labcorp Genetics (formerly Invitae), Labcorp
Classification: Uncertain significance for Congenital insensitivity to pain-hypohidrosis syndrome. Last evaluated: 2024-01-08. Review status: criteria provided, single submitter. Criteria: Invitae Variant Classification Sherloc (09022015). Collection method: clinical testing. Allele origin: germline.
Comment: This sequence change replaces threonine, which is neutral and polar, with isoleucine, which is neutral and non-polar, at codon 61 of the PRDM12 protein (p.Thr61Ile). This variant is present in population databases (rs748893320, gnomAD 0.02%). This variant has not been reported in the literature in individuals affected with PRDM12-related conditions. ClinVar contains an entry for this variant (Variation ID: 1380455). Advanced modeling of protein sequence and biophysical properties (such as structural, functional, and spatial information, amino acid conservation, physicochemical variation, residue mobility, and thermodynamic stability) performed at Invitae indicates that this missense variant is not expected to disrupt PRDM12 protein function with a negative predictive value of 80%. In summary, the available evidence is currently insufficient to determine the role of this variant in disease. Therefore, it has been classified as a Variant of Uncertain Significance.